The following is an entry in ClinVar:

NM_001198800.3(ASCC1):c.649del (p.Pro216_Leu217insTer)

Gene: ASCC1 (activating signal cointegrator 1 complex subunit 1; minus strand). Cytogenetic location: 10q22.1.
Variant type: Deletion.
Coding change: c.649del on transcript NM_001198800.3 (MANE Select); coding-DNA position 649, one base deleted (C; older notation c.649delC).
Protein change: p.Pro216_Leu217insTer.
Molecular consequence: nonsense. On other transcripts: non-coding transcript variant (1), intron variant (7).
Genome position (GRCh38, 1-based): chr10:72,152,966, G deleted on the plus strand (C on the coding strand, the reverse complement: ASCC1 is on the minus strand); the first of 4 consecutive G bases (chr10:72,152,966-72,152,969); deleting any one gives the same sequence. VCF-style (leftmost placement, unchanged base first): chr10-72152965-AG-A. GRCh37 (hg19) VCF-style: chr10-73912723-AG-A.
Other names: c.649del, p.Pro216_Leu217insTer (NM_001198798.2, NM_001369087.1, NM_001369088.1 and 12 more transcripts); c.733del, p.Pro244_Leu245insTer (NM_001198799.3); c.715del, p.Pro238_Leu239insTer (NM_001369085.1, NM_001369086.1); c.532del, p.Pro177_Leu178insTer (NM_001369101.1, NM_001369102.1, NM_001369105.1 and 2 more transcripts); c.692+8572del (NM_001369099.1); c.626+8572del (NM_001369112.1, NM_001369108.1, NM_001369103.1 and 3 more transcripts).
Identifiers: ClinVar variation 2635586 (VCV002635586.1), dbSNP rs2493337844, ClinGen allele CA2695199545.
Genomic context (GRCh38, chr10:72,152,965, plus strand): 5'-AGAACATCCACCATGCCAGGATCATCATTCATGTATTCTATCCCTGCCATCTCCACTTCT[AG>A]GGGTTTACCCCCAGAAATATCACTGCAAAGGAAAAAGCATTAAGATATCTATAACTGTTT-3'

ClinVar aggregate classification (germline): Likely pathogenic (1 of 4 stars; one submission).

Conditions:
ASCC1-related disorder. Also called: ASCC1-related condition; ASCC1-Related Disorders.

Submission:

PreventionGenetics, part of Exact Sciences
Classification: Likely pathogenic for ASCC1-related condition. Last evaluated: 2022-11-28. Review status: criteria provided, single submitter. Criteria: ACMG Guidelines, 2015. Collection method: clinical testing. Allele origin: germline.
Comment: The ASCC1 c.649delC variant is predicted to result in premature protein termination (p.Leu217*). To our knowledge, this variant has not been reported in the literature or in a large population database, indicating this variant is rare. This variant is interpreted as likely pathogenic.